The following is an entry in ClinVar:

NM_014009.4(FOXP3):c.970T>G (p.Phe324Val)

Gene: FOXP3 (forkhead box P3; minus strand). Cytogenetic location: Xp11.23.
Variant type: single nucleotide variant.
Coding change: c.970T>G on transcript NM_014009.4 (MANE Select); coding-DNA position 970, T replaced by G.
Protein change: p.Phe324Val; replaces phenylalanine 324 with valine.
Molecular consequence: missense variant.
Genome position (GRCh38, 1-based): chrX:49,253,200, A>C on the plus strand (T>G on the coding strand, the complement: FOXP3 is on the minus strand). VCF-style: chrX-49253200-A-C. GRCh37 (hg19) VCF-style: chrX-49109661-A-C.
Other names: c.865T>G, p.Phe289Val (NM_001114377.2); short protein forms F289V, F324V.
Identifiers: ClinVar variation 1677891 (VCV001677891.26), dbSNP rs122467173, ClinGen allele CA412950404.

ClinVar aggregate classification (germline): Uncertain significance. Review status: criteria provided, multiple submitters, no conflicts (2 of 4 stars). 4 submissions from 4 submitters: Uncertain significance (4). Last evaluated 2024-05-27.

Conditions:
Insulin-dependent diabetes mellitus secretory diarrhea syndrome (IPEX). Also called: IMMUNODEFICIENCY, POLYENDOCRINOPATHY, AND ENTEROPATHY, X-LINKED; X-Linked Autoimmunity-Allergic Dysregulation Syndrome; Immune dysregulation-polyendocrinopathy-enteropathy-X-linked syndrome; Immunodeficiency, Polyendocrinopathy, and Enteropathy X-Linked Syndrome; X-Linked Syndrome of Polyendocrinopathy, Immune Dysfunction, and Diarrhea; Immunodysregulation, polyendocrinopathy, and enteropathy, X-linked. Identifiers: Orphanet 37042, MedGen C0342288, MONDO:0010580, OMIM 304790. Disease mechanism: loss of function.

gnomAD v4.1: 2 of 1,206,045 alleles (0.00017%); highest among the groups gnomAD compares: African/African-American, 0.0035%; no homozygotes.

Submissions (4):

Fulgent Genetics
Classification: Uncertain significance for Insulin-dependent diabetes mellitus secretory diarrhea syndrome. Last evaluated: 2024-05-27. Review status: criteria provided, single submitter. Criteria: ACMG Guidelines, 2015. Collection method: clinical testing. Allele origin: germline.

CeGaT Center for Human Genetics Tuebingen
Classification: Uncertain significance. Last evaluated: 2024-04-01. Review status: criteria provided, single submitter. Criteria: CeGaT Center For Human Genetics Tuebingen Variant Classification Criteria Version 2. Collection method: clinical testing. Allele origin: germline. Affected: yes. Observed: 1 variant allele.
Comment: FOXP3: PM2

Labcorp Genetics (formerly Invitae), Labcorp
Classification: Uncertain significance for Insulin-dependent diabetes mellitus secretory diarrhea syndrome. Last evaluated: 2023-08-30. Review status: criteria provided, single submitter. Criteria: Invitae Variant Classification Sherloc (09022015). Collection method: clinical testing. Allele origin: germline.
Comment: In summary, the available evidence is currently insufficient to determine the role of this variant in disease. Therefore, it has been classified as a Variant of Uncertain Significance. An algorithm developed to predict the effect of missense changes on protein structure and function (PolyPhen-2) suggests that this variant¬†is likely to be tolerated. ClinVar contains an entry for this variant (Variation ID: 1677891). This variant has not been reported in the literature in individuals affected with FOXP3-related conditions. This variant is not present in population databases (gnomAD no frequency). This sequence change replaces phenylalanine, which is neutral and non-polar, with valine, which is neutral and non-polar, at codon 324 of the FOXP3 protein (p.Phe324Val).

AiLife Diagnostics
Classification: Uncertain significance. Last evaluated: 2022-02-04. Review status: criteria provided, single submitter. Criteria: ACMG Guidelines, 2015. Collection method: clinical testing. Allele origin: germline. Affected: yes. Observed: 1 variant allele.